The following is an entry in ClinVar:

NM_004608.4(TBX6):c.934G>A (p.Asp312Asn)

Gene: TBX6 (T-box transcription factor 6; minus strand). Cytogenetic location: 16p11.2.
Variant type: single nucleotide variant.
Coding change: c.934G>A on transcript NM_004608.4 (MANE Select); coding-DNA position 934, G replaced by A.
Protein change: p.Asp312Asn; replaces aspartic acid 312 with asparagine.
Molecular consequence: missense variant.
Genome position (GRCh38, 1-based): chr16:30,086,675, C>T on the plus strand (G>A on the coding strand, the complement: TBX6 is on the minus strand). VCF-style: chr16-30086675-C-T. GRCh37 (hg19) VCF-style: chr16-30097996-C-T.
Other names: short protein forms D312N.
Identifiers: ClinVar variation 3610484 (VCV003610484.2).

ClinVar aggregate classification (germline): Uncertain significance (1 of 4 stars; one submission).

gnomAD v4.1: 7 of 1,611,376 alleles (0.00043%); highest among the groups gnomAD compares: East Asian, 0.0022%; no homozygotes.

Submission:

Labcorp Genetics (formerly Invitae), Labcorp
Classification: Uncertain significance. Last evaluated: 2024-02-14. Review status: criteria provided, single submitter. Criteria: Invitae Variant Classification Sherloc (09022015). Collection method: clinical testing. Allele origin: germline.
Comment: This sequence change replaces aspartic acid, which is acidic and polar, with asparagine, which is neutral and polar, at codon 312 of the TBX6 protein (p.Asp312Asn). This variant is present in population databases (rs760965048, gnomAD 0.005%). This variant has not been reported in the literature in individuals affected with TBX6-related conditions. Advanced modeling of protein sequence and biophysical properties (such as structural, functional, and spatial information, amino acid conservation, physicochemical variation, residue mobility, and thermodynamic stability) performed at Invitae indicates that this missense variant is not expected to disrupt TBX6 protein function with a negative predictive value of 80%. In summary, the available evidence is currently insufficient to determine the role of this variant in disease. Therefore, it has been classified as a Variant of Uncertain Significance.